The following is an entry in ClinVar:

ClinVar aggregate classification (germline): Uncertain significance (1 of 4 stars; one submission).

Submission:

GeneDx
Classification: Uncertain significance. Last evaluated: 2024-10-07. Review status: criteria provided, single submitter. Criteria: GeneDx Variant Classification Process June 2021. Collection method: clinical testing. Allele origin: germline. Affected: yes.
Comment: Not observed at significant frequency in large population cohorts (gnomAD); In silico analysis indicates that this missense variant does not alter protein structure/function; Has not been previously published as pathogenic or benign to our knowledge

NM_001348768.2(HECW2):c.445G>A (p.Ala149Thr)

Gene: HECW2 (HECT, C2 and WW domain containing E3 ubiquitin protein ligase 2; minus strand). Cytogenetic location: 2q32.3.
Variant type: single nucleotide variant.
Coding change: c.445G>A on transcript NM_001348768.2 (MANE Select); coding-DNA position 445, G replaced by A.
Protein change: p.Ala149Thr; replaces alanine 149 with threonine.
Molecular consequence: missense variant. On other transcripts: 5 prime UTR variant (1).
Genome position (GRCh38, 1-based): chr2:196,334,474, C>T on the plus strand (G>A on the coding strand, the complement: HECW2 is on the minus strand). VCF-style: chr2-196334474-C-T. GRCh37 (hg19) VCF-style: chr2-197199198-C-T.
Other names: c.-452G>A (NM_001304840.3); c.445G>A, p.Ala149Thr (NM_020760.4); short protein forms A149T.
Identifiers: ClinVar variation 3776322 (VCV003776322.1).